The following is an entry in ClinVar:

ClinVar aggregate classification (germline): Pathogenic. Review status: criteria provided, multiple submitters, no conflicts (2 of 4 stars). 2 submissions from 2 submitters: Pathogenic (2). Last evaluated 2023-11-08.

Submissions (2):

Labcorp Genetics (formerly Invitae), Labcorp
Classification: Pathogenic. Last evaluated: 2023-11-08. Review status: criteria provided, single submitter. Criteria: Invitae Variant Classification Sherloc (09022015). Collection method: clinical testing. Allele origin: germline.
Comment: This sequence change creates a premature translational stop signal (p.Trp1328*) in the SPTB gene. It is expected to result in an absent or disrupted protein product. Loss-of-function variants in SPTB are known to be pathogenic (PMID: 1391962, 1498324, 8844207, 26830532, 27292444). This variant is not present in population databases (gnomAD no frequency). This premature translational stop signal has been observed in individual(s) with hereditary spherocytosis (PMID: 34335240). For these reasons, this variant has been classified as Pathogenic.

ARUP Laboratories, Molecular Genetics and Genomics, ARUP Laboratories
Classification: Pathogenic. Last evaluated: 2023-05-11. Review status: criteria provided, single submitter. Criteria: ARUP Molecular Germline Variant Investigation Process 2024. Collection method: clinical testing. Allele origin: germline.
Comment: The SPTB c.3984G>A; p.Trp1328Ter variant is reported in the literature in one individual affected with hereditary spherocytosis (Wang 2021). This variant is absent from the Genome Aggregation Database, indicating it is not a common polymorphism. This variant induces an early termination codon and is predicted to result in a truncated protein or mRNA subject to nonsense-mediated decay. Based on available information, this variant is considered to be pathogenic. REFERENCES Wang D et al. Mutational Characteristics of Causative Genes in Chinese Hereditary Spherocytosis Patients: a Report on Fourteen Cases and a Review of the Literature. Front Pharmacol. 2021 PMID: 34335240

Literature cited by the submitters: PubMed 1391962 (cited by Labcorp Genetics (formerly Invitae), Labcorp); PubMed 1498324 (cited by Labcorp Genetics (formerly Invitae), Labcorp); PubMed 8844207 (cited by Labcorp Genetics (formerly Invitae), Labcorp); PubMed 26830532 (cited by Labcorp Genetics (formerly Invitae), Labcorp); PubMed 27292444 (cited by Labcorp Genetics (formerly Invitae), Labcorp); PubMed 34335240 (cited by Labcorp Genetics (formerly Invitae), Labcorp).

NM_001355436.2(SPTB):c.3984G>A (p.Trp1328Ter)

Gene: SPTB (spectrin beta, erythrocytic; minus strand). Cytogenetic location: 14q23.3.
Variant type: single nucleotide variant.
Coding change: c.3984G>A on transcript NM_001355436.2 (MANE Select); coding-DNA position 3984, G replaced by A.
Protein change: p.Trp1328Ter; replaces tryptophan 1328 with a stop codon.
Molecular consequence: nonsense.
Genome position (GRCh38, 1-based): chr14:64,784,265, C>T on the plus strand (G>A on the coding strand, the complement: SPTB is on the minus strand). VCF-style: chr14-64784265-C-T. GRCh37 (hg19) VCF-style: chr14-65250983-C-T.
Other names: c.3984G>A, p.Trp1328Ter (NM_001024858.4, NM_001355437.2); short protein forms W1328*.
Identifiers: ClinVar variation 2694453 (VCV002694453.4), dbSNP rs1469708148, ClinGen allele CA390045272.